The following is an entry in ClinVar:

NM_000066.4(C8B):c.1076T>G (p.Val359Gly)

Gene: C8B (complement C8 beta chain; minus strand). Cytogenetic location: 1p32.2.
Variant type: single nucleotide variant.
Coding change: c.1076T>G on transcript NM_000066.4 (MANE Select); coding-DNA position 1076, T replaced by G.
Protein change: p.Val359Gly; replaces valine 359 with glycine.
Molecular consequence: missense variant.
Genome position (GRCh38, 1-based): chr1:56,945,850, A>C on the plus strand (T>G on the coding strand, the complement: C8B is on the minus strand). VCF-style: chr1-56945850-A-C. GRCh37 (hg19) VCF-style: chr1-57411523-A-C.
Other names: c.920T>G, p.Val307Gly (NM_001278543.2); c.890T>G, p.Val297Gly (NM_001278544.2); short protein forms V297G, V359G, V307G.
Identifiers: ClinVar variation 1405223 (VCV001405223.8), dbSNP rs2101407857, ClinGen allele CA340526787.

ClinVar aggregate classification (germline): Uncertain significance (1 of 4 stars; one submission).

Submission:

Labcorp Genetics (formerly Invitae), Labcorp
Classification: Uncertain significance. Last evaluated: 2021-07-12. Review status: criteria provided, single submitter. Criteria: Invitae Variant Classification Sherloc (09022015). Collection method: clinical testing. Allele origin: germline.
Comment: This sequence change replaces valine with glycine at codon 359 of the C8B protein (p.Val359Gly). The valine residue is weakly conserved and there is a moderate physicochemical difference between valine and glycine. This variant is not present in population databases (ExAC no frequency). This variant has not been reported in the literature in individuals affected with C8B-related conditions. Algorithms developed to predict the effect of missense changes on protein structure and function are either unavailable or do not agree on the potential impact of this missense change (SIFT: "Deleterious"; PolyPhen-2: "Possibly Damaging"; Align-GVGD: "Class C0"). Algorithms developed to predict the effect of sequence changes on RNA splicing suggest that this variant may create or strengthen a splice site. In summary, the available evidence is currently insufficient to determine the role of this variant in disease. Therefore, it has been classified as a Variant of Uncertain Significance.